The following is an entry in ClinVar:

ClinVar aggregate classification (germline): Uncertain significance. Review status: criteria provided, multiple submitters, no conflicts (2 of 4 stars). 2 submissions from 2 submitters: Uncertain significance (2). Last evaluated 2025-06-05.

Conditions:
Inborn genetic diseases. Identifiers: MedGen C0950123, MeSH D030342.

gnomAD v4.1: 30 of 1,614,208 alleles (0.0019%); highest among the groups gnomAD compares: African/African-American, 0.036%; no homozygotes.

Submissions (2):

GeneDx
Classification: Uncertain significance. Last evaluated: 2025-06-05. Review status: criteria provided, single submitter. Criteria: GeneDx Variant Classification Process June 2021. Collection method: clinical testing. Allele origin: germline. Affected: yes.
Comment: In silico analysis suggests that this missense variant does not alter protein structure/function; Has not been previously published as pathogenic or benign to our knowledge

Ambry Genetics
Classification: Uncertain significance for Inborn genetic diseases. Last evaluated: 2024-05-28. Review status: criteria provided, single submitter. Criteria: Ambry Variant Classification Scheme 2023. Collection method: clinical testing. Allele origin: germline.

NM_020318.3(PAPPA2):c.2345T>G (p.Leu782Arg)

Gene: PAPPA2 (pappalysin 2; plus strand). Cytogenetic location: 1q25.2.
Variant type: single nucleotide variant.
Coding change: c.2345T>G on transcript NM_020318.3 (MANE Select); coding-DNA position 2345, T replaced by G.
Protein change: p.Leu782Arg; replaces leucine 782 with arginine.
Molecular consequence: missense variant.
Genome position (GRCh38, 1-based): chr1:176,690,344, T>G. VCF-style: chr1-176690344-T-G. GRCh37 (hg19) VCF-style: chr1-176659480-T-G.
Other names: c.2345T>G, p.Leu782Arg (NM_021936.3); short protein forms L782R.
Identifiers: ClinVar variation 3304265 (VCV003304265.2).